The following is an entry in ClinVar:

NM_001256789.3(CACNA1F):c.3438+10G>A

Gene: CACNA1F (calcium voltage-gated channel subunit alpha1 F; minus strand). Cytogenetic location: Xp11.23.
Variant type: single nucleotide variant.
Coding change: c.3438+10G>A on transcript NM_001256789.3 (MANE Select); 10 bases into the intron after coding-DNA position 3438, G replaced by A.
Molecular consequence: intron variant.
Genome position (GRCh38, 1-based): chrX:49,215,332, C>T on the plus strand (G>A on the coding strand, the complement: CACNA1F is on the minus strand). VCF-style: chrX-49215332-C-T. GRCh37 (hg19) VCF-style: chrX-49071792-C-T.
Other names: c.3471+10G>A (NM_005183.4); c.3276+10G>A (NM_001256790.3).
Identifiers: ClinVar variation 718918 (VCV000718918.11), dbSNP rs199912425, ClinGen allele CA10410462.

ClinVar aggregate classification (germline): Likely benign. Review status: criteria provided, multiple submitters, no conflicts (2 of 4 stars). 3 submissions from 3 submitters: Likely benign (3). Last evaluated 2026-09-21.

Conditions:
CACNA1F-related disorder. Also called: CACNA1F-related condition.

Allele frequency attached by ClinVar (database versions not stated): gnomAD 0.00001; gnomAD exomes 0.00009 and 0.00019; TOPMed 0.00009; ExAC 0.00017; 1000 Genomes Project 30x 0.00021; 1000 Genomes Project 0.00026.
gnomAD v4.1: 42 of 1,206,511 alleles (0.0035%); highest among the groups gnomAD compares: Admixed American, 0.09%; no homozygotes.

Submissions (3):

PreventionGenetics, part of Exact Sciences
Classification: Likely benign for CACNA1F-related condition. Last evaluated: 2026-09-21. Review status: criteria provided, single submitter. Criteria: ACMG Guidelines, 2015. Collection method: clinical testing. Allele origin: germline.
Comment: This variant is classified as likely benign based on ACMG/AMP sequence variant interpretation guidelines (Richards et al. 2015 PMID: 25741868, with internal and published modifications).

Labcorp Genetics (formerly Invitae), Labcorp
Classification: Likely benign. Last evaluated: 2025-11-12. Review status: criteria provided, single submitter. Criteria: Invitae Variant Classification Sherloc (09022015). Collection method: clinical testing. Allele origin: germline.

Blueprint Genetics
Classification: Likely benign. Last evaluated: 2020-03-19. Review status: criteria provided, single submitter. Criteria: ACMG Guidelines, 2015. Collection method: clinical testing. Allele origin: germline.